The following is an entry in ClinVar:

NM_176787.5(PIGN):c.959A>G (p.Asn320Ser)

Gene: PIGN (phosphatidylinositol glycan anchor biosynthesis class N; minus strand). Cytogenetic location: 18q21.33.
Variant type: single nucleotide variant.
Coding change: c.959A>G on transcript NM_176787.5 (MANE Select); coding-DNA position 959, A replaced by G.
Protein change: p.Asn320Ser; replaces asparagine 320 with serine.
Molecular consequence: missense variant.
Genome position (GRCh38, 1-based): chr18:62,143,310, T>C on the plus strand (A>G on the coding strand, the complement: PIGN is on the minus strand). VCF-style: chr18-62143310-T-C. GRCh37 (hg19) VCF-style: chr18-59810543-T-C.
Other names: c.959A>G, p.Asn320Ser (NM_012327.6); short protein forms N320S.
Identifiers: ClinVar variation 657083 (VCV000657083.10), dbSNP rs936914222, ClinGen allele CA301733284.

ClinVar aggregate classification (germline): Uncertain significance. Review status: criteria provided, multiple submitters, no conflicts (2 of 4 stars). 4 submissions from 4 submitters: Uncertain significance (4). Last evaluated 2024-09-30.

Conditions:
Multiple congenital anomalies-hypotonia-seizures syndrome 1 (MCAHS1). Also called: PIGN-CDG; Congenital disorder of glycosylation due to PIGN deficiency; GLYCOSYLPHOSPHATIDYLINOSITOL BIOSYNTHESIS DEFECT 3. Identifiers: Orphanet 280633, MedGen C3279775, MONDO:0013563, OMIM 614080.
Inborn genetic diseases. Identifiers: MedGen C0950123, MeSH D030342.

Allele frequency attached by ClinVar (database versions not stated): gnomAD 0.00001 and 0.00003; gnomAD exomes 0.00001; TOPMed 0.00003.
gnomAD v4.1: 14 of 1,507,976 alleles (0.00093%); highest among the groups gnomAD compares: African/African-American, 0.0069%; no homozygotes.

Submissions (4):

Ambry Genetics
Classification: Uncertain significance for Inborn genetic diseases. Last evaluated: 2024-09-30. Review status: criteria provided, single submitter. Criteria: Ambry Variant Classification Scheme 2023. Collection method: clinical testing. Allele origin: germline.

GeneDx
Classification: Uncertain significance. Last evaluated: 2024-01-19. Review status: criteria provided, single submitter. Criteria: GeneDx Variant Classification Process June 2021. Collection method: clinical testing. Allele origin: germline. Affected: yes.
Comment: Not observed at a significant frequency in large population cohorts (gnomAD); In silico analysis supports that this missense variant does not alter protein structure/function; Has not been previously published as pathogenic or benign to our knowledge

Labcorp Genetics (formerly Invitae), Labcorp
Classification: Uncertain significance for Multiple congenital anomalies-hypotonia-seizures syndrome 1. Last evaluated: 2023-10-13. Review status: criteria provided, single submitter. Criteria: Invitae Variant Classification Sherloc (09022015). Collection method: clinical testing. Allele origin: germline.
Comment: This sequence change replaces asparagine, which is neutral and polar, with serine, which is neutral and polar, at codon 320 of the PIGN protein (p.Asn320Ser). This variant is present in population databases (no rsID available, gnomAD 0.005%). This variant has not been reported in the literature in individuals affected with PIGN-related conditions. ClinVar contains an entry for this variant (Variation ID: 657083). Advanced modeling of protein sequence and biophysical properties (such as structural, functional, and spatial information, amino acid conservation, physicochemical variation, residue mobility, and thermodynamic stability) performed at Invitae indicates that this missense variant is not expected to disrupt PIGN protein function. In summary, the available evidence is currently insufficient to determine the role of this variant in disease. Therefore, it has been classified as a Variant of Uncertain Significance.

Revvity Omics, Revvity
Classification: Uncertain significance for Multiple congenital anomalies-hypotonia-seizures syndrome 1. Last evaluated: 2019-12-13. Review status: criteria provided, single submitter. Criteria: ACMG Guidelines, 2015. Collection method: clinical testing. Allele origin: germline.